The following is an entry in ClinVar:

NM_006517.3(SLC16A2):c.29T>C (p.Val10Ala)

Gene: SLC16A2 (solute carrier family 16 member 2; plus strand). Cytogenetic location: Xq13.2.
Variant type: single nucleotide variant.
Coding change: c.29T>C on transcript NM_006517.3; coding-DNA position 29, T replaced by C.
Protein change: p.Val10Ala; replaces valine 10 with alanine.
Genome position (GRCh38, 1-based): chrX:74,421,444, T>C. VCF-style: chrX-74421444-T-C. GRCh37 (hg19) VCF-style: chrX-73641279-T-C.
Other names: short protein forms V10A.
Identifiers: ClinVar variation 1798639 (VCV001798639.2), dbSNP rs1287562056, ClinGen allele CA878054370.
Genomic context (GRCh38, chrX:74,421,444, plus strand): 5'-GGTGTGGAGGAGGGGGAGGAGAGAGAGATGACATGGGGAGAGGAGGAGGGGGGTTGGACG[T>C]GGGAGGAGGAGGAGAGGGCTCGAGGGACCGTCTGTCGCGGGACGGGCTGGCCAGCTGGGG-3'

ClinVar aggregate classification (germline): Uncertain significance (1 of 4 stars; one submission).

Conditions:
Inborn genetic diseases. Identifiers: MedGen C0950123, MeSH D030342.

Submission:

Ambry Genetics
Classification: Uncertain significance for Inborn genetic diseases. Last evaluated: 2020-01-17. Review status: criteria provided, single submitter. Criteria: Ambry Variant Classification Scheme 2023. Collection method: clinical testing. Allele origin: germline.
Comment: The p.V10A variant (also known as c.29T>C), located in coding exon 1 of the SLC16A2 gene, results from a T to C substitution at nucleotide position 29. The valine at codon 10 is replaced by alanine, an amino acid with similar properties. This amino acid position is not well conserved in available vertebrate species. Since supporting evidence is limited at this time, the clinical significance of this alteration remains unclear.